The following is an entry in ClinVar:

ClinVar aggregate classification (germline): Uncertain significance (1 of 4 stars; one submission).

Allele frequency attached by ClinVar (database versions not stated): gnomAD exomes below 0.00001; gnomAD 0.00001.
gnomAD v4.1: 3 of 1,610,680 alleles (0.00019%); highest among the groups gnomAD compares: Non-Finnish European, 0.00025%; no homozygotes.

Submission:

Labcorp Genetics (formerly Invitae), Labcorp
Classification: Uncertain significance. Last evaluated: 2024-05-12. Review status: criteria provided, single submitter. Criteria: Invitae Variant Classification Sherloc (09022015). Collection method: clinical testing. Allele origin: germline.
Comment: This sequence change replaces serine, which is neutral and polar, with asparagine, which is neutral and polar, at codon 602 of the SULF1 protein (p.Ser602Asn). This variant is present in population databases (no rsID available, gnomAD 0.007%). This variant has not been reported in the literature in individuals affected with SULF1-related conditions. An algorithm developed to predict the effect of missense changes on protein structure and function (PolyPhen-2) suggests that this variant is likely to be tolerated. In summary, the available evidence is currently insufficient to determine the role of this variant in disease. Therefore, it has been classified as a Variant of Uncertain Significance.

NM_001128205.2(SULF1):c.1805G>A (p.Ser602Asn)

Gene: SULF1 (sulfatase 1; plus strand). Cytogenetic location: 8q13.3.
Variant type: single nucleotide variant.
Coding change: c.1805G>A on transcript NM_001128205.2 (MANE Select); coding-DNA position 1805, G replaced by A.
Protein change: p.Ser602Asn; replaces serine 602 with asparagine.
Molecular consequence: missense variant. On other transcripts: non-coding transcript variant (7).
Genome position (GRCh38, 1-based): chr8:69,624,152, G>A. VCF-style: chr8-69624152-G-A. GRCh37 (hg19) VCF-style: chr8-70536387-G-A.
Other names: c.1805G>A, p.Ser602Asn (NM_001128204.2, NM_001128206.2, NM_001412828.1 and 10 more transcripts); c.1676G>A, p.Ser559Asn (NM_001412832.1, NM_001412838.1, NM_001412839.1 and 1 more transcripts); c.1748G>A, p.Ser583Asn (NM_001412836.1, NM_001412837.1); c.1619G>A, p.Ser540Asn (NM_001412841.1, NM_001412842.1); c.1205G>A, p.Ser402Asn (NM_001412844.1, NM_001412845.1); c.14G>A, p.Ser5Asn (NM_001412846.1); short protein forms S402N, S540N, S583N, S559N, S5N, S602N.
Identifiers: ClinVar variation 2842707 (VCV002842707.3), dbSNP rs1012374804, ClinGen allele CA178305316.
Genomic context (GRCh38, chr8:69,624,152, plus strand): 5'-AGGGGCCAAGAGATCTCCAGGCTTCCAGTGGTGGCAACAGGGGCAGGATGCTGGCAGATA[G>A]CAGCAACGCCGTGGGCCCACCTACCACTGTCCGAGTGACACACAAGTAAGAAAGCTTTAT-3'
Protein context (NP_001121677.1, residues 592-612): GGNRGRMLAD[Ser602Asn]SNAVGPPTTV